The following is an entry in ClinVar:

ClinVar aggregate classification (germline): Uncertain significance (1 of 4 stars; one submission).

Submission:

GeneDx
Classification: Uncertain significance. Last evaluated: 2023-06-04. Review status: criteria provided, single submitter. Criteria: GeneDx Variant Classification Process June 2021. Collection method: clinical testing. Allele origin: germline. Affected: yes.
Comment: Not observed at significant frequency in large population cohorts (gnomAD); In silico analysis supports that this missense variant does not alter protein structure/function; Has not been previously published as pathogenic or benign to our knowledge

NM_001555.5(IGSF1):c.2506A>G (p.Ile836Val)

Gene: IGSF1 (immunoglobulin superfamily member 1; minus strand). Cytogenetic location: Xq26.1.
Variant type: single nucleotide variant.
Coding change: c.2506A>G on transcript NM_001555.5 (MANE Select); coding-DNA position 2506, A replaced by G.
Protein change: p.Ile836Val; replaces isoleucine 836 with valine.
Molecular consequence: missense variant.
Genome position (GRCh38, 1-based): chrX:131,277,041, T>C on the plus strand (A>G on the coding strand, the complement: IGSF1 is on the minus strand). VCF-style: chrX-131277041-T-C. GRCh37 (hg19) VCF-style: chrX-130411015-T-C.
Other names: c.2521A>G, p.Ile841Val (NM_001170961.2); c.2479A>G, p.Ile827Val (NM_001170962.2); short protein forms I827V, I836V, I841V.
Identifiers: ClinVar variation 3359489 (VCV003359489.1).